The following is an entry in ClinVar:

NM_004793.4(LONP1):c.614G>T (p.Arg205Leu)

Gene: LONP1 (lon peptidase 1, mitochondrial; minus strand). Cytogenetic location: 19p13.3.
Variant type: single nucleotide variant.
Coding change: c.614G>T on transcript NM_004793.4 (MANE Select); coding-DNA position 614, G replaced by T.
Protein change: p.Arg205Leu; replaces arginine 205 with leucine.
Molecular consequence: missense variant. On other transcripts: non-coding transcript variant (1).
Genome position (GRCh38, 1-based): chr19:5,713,158, C>A on the plus strand (G>T on the coding strand, the complement: LONP1 is on the minus strand). VCF-style: chr19-5713158-C-A. GRCh37 (hg19) VCF-style: chr19-5713169-C-A.
Other names: c.422G>T, p.Arg141Leu (NM_001276479.2); c.26G>T, p.Arg9Leu (NM_001276480.1); short protein forms R205L, R141L, R9L.
Identifiers: ClinVar variation 2011063 (VCV002011063.4), dbSNP rs199803800, ClinGen allele CA403539630.

ClinVar aggregate classification (germline): Uncertain significance (1 of 4 stars; one submission).

gnomAD v4.1: 3 of 1,614,058 alleles (0.00019%); highest among the groups gnomAD compares: Non-Finnish European, 0.00025%; no homozygotes.

Submission:

Labcorp Genetics (formerly Invitae), Labcorp
Classification: Uncertain significance. Last evaluated: 2023-11-27. Review status: criteria provided, single submitter. Criteria: Invitae Variant Classification Sherloc (09022015). Collection method: clinical testing. Allele origin: germline.
Comment: This sequence change replaces arginine, which is basic and polar, with leucine, which is neutral and non-polar, at codon 205 of the LONP1 protein (p.Arg205Leu). This variant is not present in population databases (gnomAD no frequency). This variant has not been reported in the literature in individuals affected with LONP1-related conditions. ClinVar contains an entry for this variant (Variation ID: 2011063). Advanced modeling of protein sequence and biophysical properties (such as structural, functional, and spatial information, amino acid conservation, physicochemical variation, residue mobility, and thermodynamic stability) performed at Invitae indicates that this missense variant is not expected to disrupt LONP1 protein function with a negative predictive value of 80%. In summary, the available evidence is currently insufficient to determine the role of this variant in disease. Therefore, it has been classified as a Variant of Uncertain Significance.